The following is an entry in ClinVar:

ClinVar aggregate classification (germline): Uncertain significance. Review status: criteria provided, multiple submitters, no conflicts (2 of 4 stars). 2 submissions from 2 submitters: Uncertain significance (2). Last evaluated 2025-12-03.

Conditions:
Hyperlipidemia due to hepatic triglyceride lipase deficiency. Also called: LIPC DEFICIENCY. Identifiers: Orphanet 140905, MedGen C3151466, MONDO:0013533, OMIM 614025.

Allele frequency attached by ClinVar (database versions not stated): ExAC 0.00009; gnomAD 0.00023; TOPMed 0.00023; ESP Exome Variant Server 0.00031; 1000 Genomes Project 0.00040; 1000 Genomes Project 30x 0.00047.
gnomAD v4.1: 67 of 1,606,074 alleles (0.0042%); highest among the groups gnomAD compares: African/African-American, 0.078%; no homozygotes.

Submissions (2):

Labcorp Genetics (formerly Invitae), Labcorp
Classification: Uncertain significance. Last evaluated: 2025-12-03. Review status: criteria provided, single submitter. Criteria: Invitae Variant Classification Sherloc (09022015). Collection method: clinical testing. Allele origin: germline.
Comment: This sequence change affects a donor splice site in intron 3 of the LIPC gene. It is expected to disrupt RNA splicing. Variants that disrupt the donor or acceptor splice site typically lead to a loss of protein function (PMID: 16199547), however the current clinical and genetic evidence is not sufficient to establish whether loss-of-function variants in LIPC cause disease. This variant is present in population databases (rs373200197, gnomAD 0.07%), and has an allele count higher than expected for a pathogenic variant. Disruption of this splice site has been observed in individual(s) with clinical features of dyslipidemia (PMID: 32041611, 36325899). ClinVar contains an entry for this variant (Variation ID: 2085301). Algorithms developed to predict the effect of sequence changes on RNA splicing suggest that this variant may disrupt the consensus splice site. In summary, the available evidence is currently insufficient to determine the role of this variant in disease. Therefore, it has been classified as a Variant of Uncertain Significance.

Baylor Genetics
Classification: Uncertain significance for Hyperlipidemia due to hepatic triglyceride lipase deficiency. Last evaluated: 2024-03-07. Review status: criteria provided, single submitter. Criteria: ACMG Guidelines, 2015. Collection method: clinical testing. Allele origin: unknown.

Literature cited by the submitters: PubMed 16199547 (cited by Labcorp Genetics (formerly Invitae), Labcorp); PubMed 32041611 (cited by Labcorp Genetics (formerly Invitae), Labcorp); PubMed 36325899 (cited by Labcorp Genetics (formerly Invitae), Labcorp).

NM_000236.3(LIPC):c.456+2T>C

Gene: LIPC (lipase C, hepatic type; plus strand). Cytogenetic location: 15q21.3.
Variant type: single nucleotide variant.
Coding change: c.456+2T>C on transcript NM_000236.3 (MANE Select); the canonical splice donor site of the intron after coding-DNA position 456, T replaced by C.
Molecular consequence: splice donor variant.
Genome position (GRCh38, 1-based): chr15:58,541,969, T>C. VCF-style: chr15-58541969-T-C. GRCh37 (hg19) VCF-style: chr15-58834168-T-C.
Identifiers: ClinVar variation 2085301 (VCV002085301.5), dbSNP rs373200197, ClinGen allele CA7584849.